The following is an entry in ClinVar:

NM_017556.4(FBLIM1):c.113G>A (p.Arg38Gln)

Gene: FBLIM1 (filamin binding LIM protein 1; plus strand). Cytogenetic location: 1p36.21.
Variant type: single nucleotide variant.
Coding change: c.113G>A on transcript NM_017556.4 (MANE Select); coding-DNA position 113, G replaced by A.
Protein change: p.Arg38Gln; replaces arginine 38 with glutamine.
Molecular consequence: missense variant.
Genome position (GRCh38, 1-based): chr1:15,765,096, G>A. VCF-style: chr1-15765096-G-A. GRCh37 (hg19) VCF-style: chr1-16091591-G-A.
Other names: c.113G>A, p.Arg38Gln (NM_001024215.1, NM_001024216.3, NM_001350151.2); short protein forms R38Q.
Identifiers: ClinVar variation 1722439 (VCV001722439.15), dbSNP rs146575757, ClinGen allele CA618246.
Genomic context (GRCh38, chr1:15,765,096, plus strand): 5'-CACCCCCGCGCCGCGATGTGGCCGTGGCGGAGGAAGTGAGGCAGGCAGTTTGTGAGGCCC[G>A]GCGTGGCCGCCCCTGGGAGGCTCCTGCCCCCATGAAGACACCCGAGGCTGGCTTGGCGGG-3'
Protein context (NP_060026.2, residues 28-48): EEVRQAVCEA[Arg38Gln]RGRPWEAPAP

ClinVar aggregate classification (germline): Conflicting classifications of pathogenicity. Review status: criteria provided, conflicting classifications (1 of 4 stars). 2 submissions from 2 submitters: Uncertain significance (1); Likely benign (1). Last evaluated 2024-11-01.

Allele frequency attached by ClinVar (database versions not stated): ESP Exome Variant Server 0.00208; TOPMed 0.00235; gnomAD 0.00236; gnomAD exomes 0.00245; 1000 Genomes Project 30x 0.00328; 1000 Genomes Project 0.00399; ExAC 0.00419.
gnomAD v4.1: 4,019 of 1,613,872 alleles (0.25%); highest among the groups gnomAD compares: South Asian, 1.3%; 24 homozygotes.

Submissions (2):

CeGaT Center for Human Genetics Tuebingen
Classification: Likely benign. Last evaluated: 2024-11-01. Review status: criteria provided, single submitter. Criteria: CeGaT Center For Human Genetics Tuebingen Variant Classification Criteria Version 2. Collection method: clinical testing. Allele origin: germline. Affected: yes. Observed: 1 variant allele.
Comment: FBLIM1: BP4, BS2

Women's Health and Genetics/Laboratory Corporation of America, LabCorp
Classification: Uncertain significance. Last evaluated: 2022-09-08. Review status: criteria provided, single submitter. Criteria: LabCorp Variant Classification Summary - May 2015. Collection method: clinical testing. Allele origin: germline.
Comment: Variant summary: FBLIM1 c.113G>A (p.Arg38Gln) results in a conservative amino acid change in the encoded protein sequence. Five of five in-silico tools predict a benign effect of the variant on protein function. The variant allele was found at a frequency of 0.0039 in 249050 control chromosomes in the gnomAD database, including 6 homozygotes. In addition, a study by Kars et al (2021) investigated the genetic structure of Turkey from 3,362 unrelated subjects and detected the variant in 18 homozygous individuals. c.113G>A has been reported in the literature in individuals affected with Chronic Osteomyelitis and developmental delay or intellectual disability (Cox_2017, dAdamo_2020, Hiraide_2021). These reports do not provide unequivocal conclusions about association of the variant with FBLIM1-Related Disorders. To our knowledge, no experimental evidence demonstrating an impact on protein function has been reported. No clinical diagnostic laboratories have submitted clinical-significance assessments for this variant to ClinVar after 2014. Based on the evidence outlined above, the variant was classified as uncertain significance.

Literature cited by the submitters: PubMed 34426522 (cited by Women's Health and Genetics/Laboratory Corporation of America, LabCorp); PubMed 33644862 (cited by Women's Health and Genetics/Laboratory Corporation of America, LabCorp); PubMed 28301468 (cited by Women's Health and Genetics/Laboratory Corporation of America, LabCorp); PubMed 32650789 (cited by Women's Health and Genetics/Laboratory Corporation of America, LabCorp).